The following is an entry in ClinVar:

NM_152743.4(BRAT1):c.916G>T (p.Glu306Ter)

Gene: BRAT1 (BRCA1 associated ATM activator 1; minus strand). Cytogenetic location: 7p22.3.
Variant type: single nucleotide variant.
Coding change: c.916G>T on transcript NM_152743.4 (MANE Select); coding-DNA position 916, G replaced by T.
Protein change: p.Glu306Ter; replaces glutamic acid 306 with a stop codon.
Molecular consequence: nonsense. On other transcripts: non-coding transcript variant (1).
Genome position (GRCh38, 1-based): chr7:2,543,211, C>A on the plus strand (G>T on the coding strand, the complement: BRAT1 is on the minus strand). VCF-style: chr7-2543211-C-A. GRCh37 (hg19) VCF-style: chr7-2582845-C-A.
Other names: c.916G>T, p.Glu306Ter (NM_001350626.2); c.391G>T, p.Glu131Ter (NM_001350627.2); short protein forms E131*, E306*.
Identifiers: ClinVar variation 5007201 (VCV005007201.2).

ClinVar aggregate classification (germline): Likely pathogenic (1 of 4 stars; one submission).

Conditions:
Neurodevelopmental disorder with cerebellar atrophy and with or without seizures. Identifiers: MedGen C4748032, MONDO:0020841, OMIM 618056.
Neonatal-onset encephalopathy with rigidity and seizures. Also called: Lethal neonatal spasticity-epileptic encephalopathy syndrome. Identifiers: Orphanet 435845, MedGen C3281029, MONDO:0013784, OMIM 614498.

gnomAD v4.1: 1 of 1,604,970 alleles (0.000062%); highest among the groups gnomAD compares: East Asian, 0.0022%; no homozygotes.

Submission:

Juno Genomics, Hangzhou Juno Genomics, Inc
Classification: Likely pathogenic for Neurodevelopmental disorder with cerebellar atrophy and with or without seizures; Neonatal-onset encephalopathy with rigidity and seizures. Review status: criteria provided, single submitter. Criteria: ACMG Guidelines, 2015. Collection method: clinical testing. Allele origin: germline.
Comment: Null variant in a gene where loss of function (LOF) is a known mechanism of disease.;Absent from controls (or at extremely low frequency if recessive) in Genome Aggregation Database.